The following is an entry in ClinVar:

NM_001364905.1(LRBA):c.194T>C (p.Ile65Thr)

Gene: LRBA (LPS responsive beige-like anchor protein; minus strand). Cytogenetic location: 4q31.3.
Variant type: single nucleotide variant.
Coding change: c.194T>C on transcript NM_001364905.1 (MANE Select); coding-DNA position 194, T replaced by C.
Protein change: p.Ile65Thr; replaces isoleucine 65 with threonine.
Molecular consequence: missense variant.
Genome position (GRCh38, 1-based): chr4:151,014,449, A>G on the plus strand (T>C on the coding strand, the complement: LRBA is on the minus strand). VCF-style: chr4-151014449-A-G. GRCh37 (hg19) VCF-style: chr4-151935601-A-G.
Other names: c.194T>C, p.Ile65Thr (NM_001199282.3, NM_001367550.1, NM_006726.5); short protein forms I65T.
Identifiers: ClinVar variation 625973 (VCV000625973.16), dbSNP rs148385798, ClinGen allele CA3103947.

ClinVar aggregate classification (germline): Conflicting classifications of pathogenicity. Review status: criteria provided, conflicting classifications (1 of 4 stars). 4 submissions from 4 submitters: Uncertain significance (2); Benign (1). 1 of the submissions does not count toward it. Last evaluated 2026-01-25.

Conditions:
Combined immunodeficiency due to LRBA deficiency. Also called: Common variable immunodeficiency 8, with autoimmunity. Identifiers: Orphanet 445018, MedGen C3553512, MONDO:0013863, OMIM 614700.
LRBA-related disorder. Also called: LRBA-related condition.

Allele frequency attached by ClinVar (database versions not stated): gnomAD exomes 0.00016 and 0.00044; ExAC 0.00060; TOPMed 0.00176; gnomAD 0.00193 and 0.00205; ESP Exome Variant Server 0.00200; 1000 Genomes Project 0.00220; 1000 Genomes Project 30x 0.00250.

Submissions (4):

Labcorp Genetics (formerly Invitae), Labcorp
Classification: Benign for Combined immunodeficiency due to LRBA deficiency. Last evaluated: 2026-01-25. Review status: criteria provided, single submitter. Criteria: Invitae Variant Classification Sherloc (09022015). Collection method: clinical testing. Allele origin: germline.

Center for Genomics, Ann and Robert H. Lurie Children's Hospital of Chicago
Classification: Uncertain significance for Combined immunodeficiency due to LRBA deficiency. Last evaluated: 2021-03-30. Review status: criteria provided, single submitter. Criteria: ACMG Guidelines, 2015. Collection method: clinical testing. Allele origin: germline.
Comment: LRBA NM_006726.4 exon 2 p.Ile65Thr (c.194T>C): This variant has not been reported in the literature but is present in 0.7% (169/24028) of African alleles, including 1 homozygote, in the Genome Aggregation Database. Evolutionary conservation and computational predictive tools for this variant are unclear. In summary, data on this variant is insufficient for disease classification. Therefore, the clinical significance of this variant is uncertain.

Baylor Genetics
Classification: Uncertain significance for Combined immunodeficiency due to LRBA deficiency. Last evaluated: 2019-07-02. Review status: criteria provided, single submitter. Criteria: ACMG Guidelines, 2015. Collection method: clinical testing. Allele origin: unknown. Affected: yes.
Comment: This variant was determined to be of uncertain significance according to ACMG Guidelines, 2015 [PMID:25741868].

PreventionGenetics, part of Exact Sciences
Classification: Likely benign for LRBA-related condition. Last evaluated: 2019-06-25. Review status: no assertion criteria provided. Collection method: clinical testing. Allele origin: germline. Not counted in ClinVar's aggregate classification.
Comment: This variant is classified as likely benign based on ACMG/AMP sequence variant interpretation guidelines (Richards et al. 2015 PMID: 25741868, with internal and published modifications).